The following is an entry in ClinVar:

NC_000023.11:g.38269737G>C

Gene: RPGR (retinitis pigmentosa GTPase regulator; minus strand). Cytogenetic location: Xp11.4.
Variant type: single nucleotide variant.
Molecular consequence: missense variant (on NM_000328.3). On other transcripts: non-coding transcript variant (6).
Genome position: GRCh38 VCF-style: chrX-38269737-G-C. GRCh37 (hg19) VCF-style: chrX-38128990-G-C.
Other names: c.2337C>G, p.Ile779Met (NM_000328.3); c.2334C>G, p.Ile778Met (NM_001367245.1); c.2151C>G, p.Ile717Met (NM_001367246.1); c.2004C>G, p.Ile668Met (NM_001367247.1); c.2034C>G, p.Ile678Met (NM_001367248.1); c.2001C>G, p.Ile667Met (NM_001367249.1, NM_001367250.1); c.1818C>G, p.Ile606Met (NM_001367251.1); short protein forms I667M, I678M, I668M, I717M, I778M, I779M, I606M.
Identifiers: ClinVar variation 1389264 (VCV001389264.7), dbSNP rs1342166642, ClinGen allele CA412721667.

ClinVar aggregate classification (germline): Uncertain significance (1 of 4 stars; one submission).

Conditions:
Primary ciliary dyskinesia. Also called: Ciliary dyskinesia. Identifiers: Orphanet 244, MedGen C0008780, MONDO:0016575, HP:0012265.

Allele frequency attached by ClinVar (database versions not stated): gnomAD exomes below 0.00001 and 0.00001; gnomAD 0.00001.
gnomAD v4.1: 2 of 1,205,692 alleles (0.00017%); highest among the groups gnomAD compares: East Asian, 0.003%; no homozygotes.

Submission:

Labcorp Genetics (formerly Invitae), Labcorp
Classification: Uncertain significance for Primary ciliary dyskinesia. Last evaluated: 2022-08-16. Review status: criteria provided, single submitter. Criteria: Invitae Variant Classification Sherloc (09022015). Collection method: clinical testing. Allele origin: germline.
Comment: In summary, the available evidence is currently insufficient to determine the role of this variant in disease. Therefore, it has been classified as a Variant of Uncertain Significance. Algorithms developed to predict the effect of missense changes on protein structure and function (SIFT, PolyPhen-2, Align-GVGD) all suggest that this variant is likely to be tolerated. ClinVar contains an entry for this variant (Variation ID: 1389264). This variant has not been reported in the literature in individuals affected with RPGR-related conditions. This variant is present in population databases (no rsID available, gnomAD 0.01%). This sequence change replaces isoleucine, which is neutral and non-polar, with methionine, which is neutral and non-polar, at codon 779 of the RPGR protein (p.Ile779Met).